The following is an entry in ClinVar:

NM_000391.4(TPP1):c.86G>A (p.Arg29Lys)

Gene: TPP1 (tripeptidyl peptidase 1; minus strand). Cytogenetic location: 11p15.4.
Variant type: single nucleotide variant.
Coding change: c.86G>A on transcript NM_000391.4 (MANE Select); coding-DNA position 86, G replaced by A.
Protein change: p.Arg29Lys; replaces arginine 29 with lysine.
Molecular consequence: missense variant.
Genome position (GRCh38, 1-based): chr11:6,619,199, C>T on the plus strand (G>A on the coding strand, the complement: TPP1 is on the minus strand). VCF-style: chr11-6619199-C-T. GRCh37 (hg19) VCF-style: chr11-6640430-C-T.
Other names: p.Arg29Lys; short protein forms R29K.
Identifiers: ClinVar variation 2683134 (VCV002683134.1), dbSNP rs1378365512, ClinGen allele CA379476939.

ClinVar aggregate classification (germline): Uncertain significance (1 of 4 stars; one submission).

Allele frequency attached by ClinVar (database versions not stated): gnomAD exomes below 0.00001; TOPMed 0.00002.

Submission:

Mayo Clinic Laboratories, Mayo Clinic
Classification: Uncertain significance. Last evaluated: 2023-03-22. Review status: criteria provided, single submitter. Criteria: ACMG Guidelines, 2015. Collection method: clinical testing. Allele origin: germline. Observed: 1 variant allele.
Comment: BP4